The following is an entry in ClinVar:

NM_000548.5(TSC2):c.2895A>C (p.Glu965Asp)

Gene: TSC2 (TSC complex subunit 2; plus strand). Cytogenetic location: 16p13.3.
Variant type: single nucleotide variant.
Coding change: c.2895A>C on transcript NM_000548.5 (MANE Select); coding-DNA position 2895, A replaced by C.
Protein change: p.Glu965Asp; replaces glutamic acid 965 with aspartic acid.
Molecular consequence: missense variant. On other transcripts: intron variant (9).
Genome position (GRCh38, 1-based): chr16:2,077,655, A>C. VCF-style: chr16-2077655-A-C. GRCh37 (hg19) VCF-style: chr16-2127656-A-C.
Other names: c.2895A>C, p.Glu965Asp (NM_001114382.3, NM_001406663.1, NM_001406664.1); c.2784A>C, p.Glu928Asp (NM_001406670.1); c.2748A>C, p.Glu916Asp (NM_001406675.1, NM_001406676.1); c.2295A>C, p.Glu765Asp (NM_001406680.1, NM_001406682.1, NM_001406683.1 and 1 more transcripts); c.1551A>C, p.Glu517Asp (NM_001406689.1); c.2837+1070A>C (NM_021055.3, NM_001370405.1, NM_001363528.2 and 2 more transcripts); c.2726+1070A>C (NM_001318827.2); c.2237+1070A>C (NM_001318831.2); and 2 more; short protein forms E928D, E916D, E517D, E765D, E965D.
Identifiers: ClinVar variation 1990636 (VCV001990636.4), dbSNP rs961472582, ClinGen allele CA276743953.

ClinVar aggregate classification (germline): Uncertain significance (1 of 4 stars; one submission).

Conditions:
Tuberous sclerosis 2 (TSC2). Identifiers: Orphanet 805, MedGen C1860707, MONDO:0013199, OMIM 613254.

Submission:

Labcorp Genetics (formerly Invitae), Labcorp
Classification: Uncertain significance for Tuberous sclerosis 2. Last evaluated: 2023-01-20. Review status: criteria provided, single submitter. Criteria: Invitae Variant Classification Sherloc (09022015). Collection method: clinical testing. Allele origin: germline.
Comment: In summary, the available evidence is currently insufficient to determine the role of this variant in disease. Therefore, it has been classified as a Variant of Uncertain Significance. Advanced modeling of protein sequence and biophysical properties (such as structural, functional, and spatial information, amino acid conservation, physicochemical variation, residue mobility, and thermodynamic stability) performed at Invitae indicates that this missense variant is not expected to disrupt TSC2 protein function. This variant has not been reported in the literature in individuals affected with TSC2-related conditions. This variant is not present in population databases (gnomAD no frequency). This sequence change replaces glutamic acid, which is acidic and polar, with aspartic acid, which is acidic and polar, at codon 965 of the TSC2 protein (p.Glu965Asp).